The following continues an entry in ClinVar:

NM_007294.4(BRCA1):c.5074G>A (p.Asp1692Asn)

Gene: BRCA1. ClinVar aggregate classification (germline): Pathogenic. Pathogenic (1).

Submissions 6 to 17 of 17:

Women's Health and Genetics/Laboratory Corporation of America, LabCorp
Classification: Pathogenic for Hereditary breast ovarian cancer syndrome. Last evaluated: 2023-03-30. Review status: criteria provided, single submitter. Criteria: LabCorp Variant Classification Summary - May 2015. Collection method: clinical testing. Allele origin: germline. Not counted in ClinVar's aggregate classification.
Comment: Variant summary: BRCA1 c.5074G>A (p.Asp1692Asn) results in a conservative amino acid change located in the BRCT domain of the encoded protein sequence. Three of five in-silico tools predict a damaging effect of the variant on protein function. The variant was absent in 251348 control chromosomes. c.5074G>A has been reported in the literature in multiple individuals affected with Hereditary Breast And Ovarian Cancer Syndrome. In families with this variant, 11 transmissions of the variant allele and 1 transmissions of the reference allele to affected individuals was reported. These data indicate that the variant is very likely to be associated with disease. At least one publication reports experimental evidence evaluating an impact on protein function and showed that this variant results in loss of function (Findlay_2018). Eight clinical diagnostic laboratories have submitted clinical-significance assessments for this variant to ClinVar after 2014 without evidence for independent evaluation (pathogenic/likely pathogenic n=7, VUS n=1). Based on the evidence outlined above, the variant was classified as pathogenic.

St. Jude Molecular Pathology, St. Jude Children's Research Hospital
Classification: Likely pathogenic for Breast-ovarian cancer, familial, susceptibility to, 1. Last evaluated: 2022-11-04. Review status: criteria provided, single submitter. Criteria: St. Jude Assertion Criteria 2020. Collection method: clinical testing. Allele origin: germline. Not counted in ClinVar's aggregate classification.
Comment: The BRCA1 c.5074G>A (p.Asp1692Asn) missense change affects the last nucleotide of exon 16 and is predicted to abolish the native splice donor site. An in vitro study demonstrated that this variant leads to multiple aberrant transcripts, including one causing exon 17 skipping and another causing activation of a cryptic splice donor site that leads to an in-frame retention of 153 bp of intron 17 (PMID: 25724305). These published findings are also supported by internal data. This variant has been reported in individuals with a personal and/or family history of breast and/or ovarian cancer (PMID: 8460636, 9452084, 10196379, 15571962). It is commonly reported in individuals of Icelandic ancestry and genetic linkage analysis suggests that this is an Icelandic founder mutation (PMID: 8460636, 9452084, 15571962). It is absent in gnomAD v2.1.1. In summary, this variant meets criteria to be classified as likely pathogenic.

MGZ Medical Genetics Center
Classification: Pathogenic for Breast-ovarian cancer, familial, susceptibility to, 1. Last evaluated: 2022-05-20. Review status: criteria provided, single submitter. Criteria: ACMG Guidelines, 2015. Collection method: clinical testing. Allele origin: germline. Affected: yes. Observed: 1 variant allele. Not counted in ClinVar's aggregate classification.
Comment: ACMG criteria applied: PS3, PS4, PM5, PM2_SUP, PP1

Color Diagnostics, LLC DBA Color Health
Classification: Pathogenic for Hereditary cancer-predisposing syndrome. Last evaluated: 2020-03-11. Review status: criteria provided, single submitter. Criteria: ACMG Guidelines, 2015. Collection method: clinical testing. Allele origin: germline. Not counted in ClinVar's aggregate classification.
Comment: This missense variant replaces aspartic acid with asparagine at codon 1692 of the BRCA1 protein. Computational prediction is inconclusive regarding the impact of this variant on protein structure and function (internally defined REVEL score threshold 0.5 < inconclusive < 0.7, PMID: 27666373). Splice site prediction tools suggest that this variant may not impact RNA splicing. Functional RNA studies have shown that this variant causes a splicing defect leading to skipping of exon 16 or in-frame retention of part of intron 15 (PMID: 25724305). This variant has been reported in individuals affected with familial breast/ovarian cancer (PMID: 9452084, 10196379, 11157798, 15571962). This variant has not been identified in the general population by the Genome Aggregation Database (gnomAD). Loss of BRCA1 function is a known mechanism of disease. Based on the available evidence, this variant is classified as Pathogenic.

Consortium of Investigators of Modifiers of BRCA1/2 (CIMBA), c/o University of Cambridge
Classification: Pathogenic for Breast-ovarian cancer, familial, susceptibility to, 1. Last evaluated: 2015-10-02. Review status: criteria provided, single submitter. Criteria: CIMBA Mutation Classification guidelines May 2016. Collection method: clinical testing. Allele origin: germline. Not counted in ClinVar's aggregate classification.

Department of Medical and Surgical Sciences, University of Bologna
Classification: Likely pathogenic for Breast-ovarian cancer, familial, susceptibility to, 1. Last evaluated: 2023-09-01. Review status: no assertion criteria provided. Collection method: clinical testing. Allele origin: germline. Affected: yes. Not counted in ClinVar's aggregate classification.
Comment: PS3(Strong)+PM2(Supporting)+PP3(Supporting)+PP4(Supporting) according to ACMG/AMP classification guidelines specified for BRCA1 & BRCA2 (Classification Criteria V1.0.0 2023-09-08) (PMID: 38160042)

deCODE genetics, Amgen
Classification: Pathogenic for Breast-ovarian cancer, familial, susceptibility to, 1. Last evaluated: 2023-07-21. Review status: no assertion criteria provided. Collection method: research. Allele origin: germline. Affected: yes. Observed: 70 variant alleles. Not counted in ClinVar's aggregate classification.
Comment: The variant NM_007294.4:c.5074G>A (chr17:43067608) in BRCA1 was detected in 26 heterozygotes out of 58K WGS Icelanders (MAF= 0,022%). Following imputation in a set of 166K Icelanders (70 imputed heterozygotes) we observed an association with breast cancer using 6908 cases and 292623 controls (OR= 20.57, P= 8.44e-16) and ovarian cancer using 907 cases and 299709 controls (OR= 29.05, P= 2.67e-10). This variant has been reported in ClinVar previously as pathogenic/likely pathogenic. Based on ACMG criteria (PS4, PP1, PP3, PP5_Strong) this variant classifies as pathogenic.

Research Molecular Genetics Laboratory, Women's College Hospital, University of Toronto
Classification: Likely pathogenic for Hereditary breast ovarian cancer syndrome. Last evaluated: 2015-12-17. Review status: no assertion criteria provided. Collection method: research. Allele origin: germline. Affected: yes. Study: The Canadian Open Genetics Repository (COGR). Not counted in ClinVar's aggregate classification.

Sharing Clinical Reports Project (SCRP)
Classification: Likely pathogenic for Breast-ovarian cancer, familial 1. Last evaluated: 2006-07-25. Review status: no assertion criteria provided. Collection method: clinical testing. Allele origin: germline. Not counted in ClinVar's aggregate classification.

Breast Cancer Information Core (BIC) (BRCA1)
Classification: Pathogenic for Breast-ovarian cancer, familial 1. Last evaluated: 2002-05-29. Review status: no assertion criteria provided. Collection method: clinical testing. Allele origin: germline. Affected: yes. Observed: 11 variant alleles. Not counted in ClinVar's aggregate classification.

Brotman Baty Institute, University of Washington
No classification provided (evidence only). Condition: Breast-ovarian cancer, familial 1. Review status: no classification provided. Collection method: in vitro. Allele origin: not applicable. Functional consequence: functionally_abnormal. Not counted in ClinVar's aggregate classification.
ClinVar note: "not provided" was previously submitted as the classification for the variant. However, the classification appeared to be based only on an observation of functional data so it was converted to no classification on 2025-07-30.

Laboratory of Urology, Hospital Clinic de Barcelona
Classification: Pathogenic for Malignant tumor of urinary bladder. Review status: no assertion criteria provided. Collection method: research. Allele origin: somatic. Affected: yes. Not counted in ClinVar's aggregate classification.

Literature cited by the submitters: PubMed 8460636 (cited by Labcorp Genetics (formerly Invitae), Labcorp and Women's Health and Genetics/Laboratory Corporation of America, LabCorp); PubMed 9452084 (cited by 3 submitters); PubMed 10196379 (cited by Labcorp Genetics (formerly Invitae), Labcorp and Women's Health and Genetics/Laboratory Corporation of America, LabCorp); PubMed 15571962 (cited by Labcorp Genetics (formerly Invitae), Labcorp and Women's Health and Genetics/Laboratory Corporation of America, LabCorp); PubMed 25748678 (cited by Labcorp Genetics (formerly Invitae), Labcorp and Ambry Genetics); PubMed 30209399 (cited by 4 submitters); PubMed 17576681 (cited by Labcorp Genetics (formerly Invitae), Labcorp); PubMed 9536098 (cited by Labcorp Genetics (formerly Invitae), Labcorp); PubMed 11157798 (cited by Ambry Genetics and Women's Health and Genetics/Laboratory Corporation of America, LabCorp); PubMed 15235020 (cited by Ambry Genetics and Women's Health and Genetics/Laboratory Corporation of America, LabCorp); PubMed 20378548 (cited by Ambry Genetics); PubMed 20516115 (cited by Ambry Genetics and Women's Health and Genetics/Laboratory Corporation of America, LabCorp); PubMed 21769658 (cited by Ambry Genetics and Women's Health and Genetics/Laboratory Corporation of America, LabCorp); PubMed 25724305 (cited by Ambry Genetics); PubMed 30078507 (cited by Ambry Genetics); PubMed 30322717 (cited by Ambry Genetics); PubMed 32546644 (cited by Ambry Genetics and Center for Genomic Medicine, Rigshospitalet, Copenhagen University Hospital); PubMed 30765603 (cited by Center for Genomic Medicine, Rigshospitalet, Copenhagen University Hospital); PubMed 16267036 (cited by Women's Health and Genetics/Laboratory Corporation of America, LabCorp); PubMed 15172985 (cited by Women's Health and Genetics/Laboratory Corporation of America, LabCorp); PubMed 17305420 (cited by Women's Health and Genetics/Laboratory Corporation of America, LabCorp); PubMed 9643283 (cited by Women's Health and Genetics/Laboratory Corporation of America, LabCorp).